The following is an entry in ClinVar:

NM_000135.4(FANCA):c.3761_3762dup (p.Glu1255fs)

Gene: FANCA (FA complementation group A; minus strand). Cytogenetic location: 16q24.3.
Variant type: Microsatellite.
Coding change: c.3761_3762dup on transcript NM_000135.4 (MANE Select); coding-DNA positions 3761 to 3762, 2 bases duplicated (AG; older notation c.3761_3762dupAG).
Protein change: p.Glu1255fs; shifts the reading frame from glutamic acid 1255.
Molecular consequence: frameshift variant.
Genome position (GRCh38, 1-based): chr16:89,742,803-89,742,804, CT duplicated on the plus strand (AG on the coding strand, the reverse complement: FANCA is on the minus strand); duplicating any 2 consecutive bases within chr16:89,742,803-89,742,811 gives the same sequence; the c. name uses the placement nearest the transcript's 3' end. VCF-style (leftmost placement, unchanged base first): chr16-89742802-C-CCT. GRCh37 (hg19) VCF-style: chr16-89809210-C-CCT.
Other names: c.3761_3762dup, p.Glu1255fs (NM_001286167.3); c.3761_3762dupAG (NM_000135.3); short protein forms E1255fs.
Identifiers: ClinVar variation 555285 (VCV000555285.18), dbSNP rs868273545, ClinGen allele CA624454789.

ClinVar aggregate classification (germline): Pathogenic/Likely pathogenic. Review status: criteria provided, multiple submitters, no conflicts (2 of 4 stars). 7 submissions from 7 submitters: Pathogenic (4); Likely pathogenic (1). 2 of the submissions do not count toward it. Last evaluated 2025-10-28.

Conditions:
FANCA-related disorders.
Fanconi anemia (FA). Also called: Fanconi's anemia. Identifiers: Orphanet 84, MedGen C0015625, MeSH D005199, MONDO:0019391.
Fanconi anemia complementation group A (FANCA). Also called: Fanconi anemia, group A; FANCA-Related Fanconi Anemia. Identifiers: Orphanet 84, MedGen C3469521, MONDO:0009215, OMIM 227650.

Submissions (7):

Dasa
Classification: Pathogenic. Last evaluated: 2025-10-28. Review status: criteria provided, single submitter. Criteria: DASA Assertion Criteria. Collection method: clinical testing. Allele origin: germline.
Comment: NM_000135.4(FANCA):c.3761_3762dup (p.Glu1255Argfs*12) is a frameshift variant in FANCA predicted to alter the reading frame and introduce a premature termination codon and is predicted to result in an absent or altered protein product. Loss of function is an established disease mechanism for FANCA-associated disorders. This variant has been reported in individuals with FANCA-related disorders (PMID: 29098742). Published studies describe this variant in association with related phenotype (PMID: 29098742; PMID: 26740942; PMID: 24584348; PMID: 12955722; PMID: 9399890). Also, this variant is rare in population databases. Based on the currently available evidence, this variant is classified as pathogenic.

Labcorp Genetics (formerly Invitae), Labcorp
Classification: Pathogenic for Fanconi anemia. Last evaluated: 2025-03-18. Review status: criteria provided, single submitter. Criteria: Invitae Variant Classification Sherloc (09022015). Collection method: clinical testing. Allele origin: germline.
Comment: This sequence change creates a premature translational stop signal (p.Glu1255Argfs*12) in the FANCA gene. It is expected to result in an absent or disrupted protein product. Loss-of-function variants in FANCA are known to be pathogenic (PMID: 19367192). The frequency data for this variant in the population databases is considered unreliable, as metrics indicate poor data quality at this position in the gnomAD database. This premature translational stop signal has been observed in individual(s) with Fanconi anemia (PMID: 24584348, 29098742). ClinVar contains an entry for this variant (Variation ID: 555285). For these reasons, this variant has been classified as Pathogenic.

Natera, Inc.
Classification: Pathogenic for Fanconi anemia. Last evaluated: 2025-02-19. Review status: criteria provided, single submitter. Criteria: Natera Variant Classification Schema (03/2026). Collection method: clinical testing. Allele origin: germline.
Comment: The c.3761_3762dupAG variant in FANCA is a frameshift variant predicted to shift the reading frame beginning at codon 1255 and leads to a stop codon 12 codons downstream. This variant is expected to result in nonsense mediated decay, truncation, or a dysfunctional protein product. This variant is rare in the general population with a frequency below the threshold expected for the associated phenotype(s). This variant has been observed in one or more individuals affected with the associated recessive disease, as either homozygous or compound heterozygous with a second variant (PMID: 29098742). Given the available evidence, this variant is classified as Pathogenic.

Fulgent Genetics
Classification: Likely pathogenic for Fanconi anemia complementation group A. Last evaluated: 2024-06-10. Review status: criteria provided, single submitter. Criteria: ACMG Guidelines, 2015. Collection method: clinical testing. Allele origin: germline.

Blueprint Genetics
Classification: Pathogenic for FANCA-related disorders. Last evaluated: 2020-10-12. Review status: criteria provided, single submitter. Criteria: ACMG Guidelines, 2015. Collection method: clinical testing. Allele origin: germline. Affected: yes. Observed: 1 variant allele.

Leiden Open Variation Database
Classification: Pathogenic for Fanconi anemia complementation group A. Last evaluated: 2020-02-28. Review status: no assertion criteria provided. Collection method: curation. Allele origin: germline. Affected: yes. Not counted in ClinVar's aggregate classification.
Comment: Curator: Arleen D. Auerbach. Submitter to LOVD: Arleen D. Auerbach.

Counsyl
Classification: Likely pathogenic for Fanconi anemia complementation group A. Last evaluated: 2017-11-30. Review status: no assertion criteria provided. Collection method: clinical testing. Allele origin: unknown. Not counted in ClinVar's aggregate classification.

Literature cited by the submitters: PubMed 29098742 (cited by 3 submitters); PubMed 26740942 (cited by Dasa); PubMed 24584348 (cited by Dasa and Labcorp Genetics (formerly Invitae), Labcorp); PubMed 12955722 (cited by Dasa and Leiden Open Variation Database); PubMed 9399890 (cited by Dasa and Counsyl); PubMed 19367192 (cited by Dasa and Labcorp Genetics (formerly Invitae), Labcorp).